The following is an entry in ClinVar:

NM_032806.6(POMGNT2):c.731A>G (p.Gln244Arg)

Gene: POMGNT2 (protein O-linked mannose N-acetylglucosaminyltransferase 2 (beta 1,4-); minus strand). Cytogenetic location: 3p22.1.
Variant type: single nucleotide variant.
Coding change: c.731A>G on transcript NM_032806.6 (MANE Select); coding-DNA position 731, A replaced by G.
Protein change: p.Gln244Arg; replaces glutamine 244 with arginine.
Molecular consequence: missense variant.
Genome position (GRCh38, 1-based): chr3:43,080,701, T>C on the plus strand (A>G on the coding strand, the complement: POMGNT2 is on the minus strand). VCF-style: chr3-43080701-T-C. GRCh37 (hg19) VCF-style: chr3-43122193-T-C.
Other names: c.731A>G (NM_032806.4); short protein forms Q244R.
Identifiers: ClinVar variation 1036380 (VCV001036380.7), dbSNP rs2089843560, ClinGen allele CA352302629.

ClinVar aggregate classification (germline): Uncertain significance. Review status: criteria provided, multiple submitters, no conflicts (2 of 4 stars). 2 submissions from 2 submitters: Uncertain significance (2). Last evaluated 2024-09-05.

Conditions:
Muscular dystrophy-dystroglycanopathy (congenital with brain and eye anomalies), type a, 8 (MDDGA8). Also called: WALKER-WARBURG SYNDROME OR MUSCLE-EYE-BRAIN DISEASE, GTDC2-RELATED. Identifiers: Orphanet 899, MedGen C3553813, MONDO:0013904, OMIM 614830.
Inborn genetic diseases. Identifiers: MedGen C0950123, MeSH D030342.

Allele frequency attached by ClinVar (database versions not stated): gnomAD below 0.00001 and 0.00001.
gnomAD v4.1: 1 of 1,614,028 alleles (0.000062%); highest among the groups gnomAD compares: South Asian, 0.0011%; no homozygotes.

Submissions (2):

Labcorp Genetics (formerly Invitae), Labcorp
Classification: Uncertain significance for Muscular dystrophy-dystroglycanopathy (congenital with brain and eye anomalies), type a, 8. Last evaluated: 2024-09-05. Review status: criteria provided, single submitter. Criteria: Invitae Variant Classification Sherloc (09022015). Collection method: clinical testing. Allele origin: germline.
Comment: This sequence change replaces glutamine, which is neutral and polar, with arginine, which is basic and polar, at codon 244 of the POMGNT2 protein (p.Gln244Arg). This variant is not present in population databases (gnomAD no frequency). This variant has not been reported in the literature in individuals affected with POMGNT2-related conditions. ClinVar contains an entry for this variant (Variation ID: 1036380). Invitae Evidence Modeling of protein sequence and biophysical properties (such as structural, functional, and spatial information, amino acid conservation, physicochemical variation, residue mobility, and thermodynamic stability) indicates that this missense variant is not expected to disrupt POMGNT2 protein function with a negative predictive value of 80%. In summary, the available evidence is currently insufficient to determine the role of this variant in disease. Therefore, it has been classified as a Variant of Uncertain Significance.

Ambry Genetics
Classification: Uncertain significance for Inborn genetic diseases. Last evaluated: 2022-11-08. Review status: criteria provided, single submitter. Criteria: Ambry Variant Classification Scheme 2023. Collection method: clinical testing. Allele origin: germline.